The following is an entry in ClinVar:

NM_001123385.2(BCOR):c.3664G>T (p.Val1222Leu)

Gene: BCOR (BCL6 corepressor; minus strand). Cytogenetic location: Xp11.4.
Variant type: single nucleotide variant.
Coding change: c.3664G>T on transcript NM_001123385.2 (MANE Select); coding-DNA position 3664, G replaced by T.
Protein change: p.Val1222Leu; replaces valine 1222 with leucine.
Molecular consequence: missense variant.
Genome position (GRCh38, 1-based): chrX:40,063,791, C>A on the plus strand (G>T on the coding strand, the complement: BCOR is on the minus strand). VCF-style: chrX-40063791-C-A. GRCh37 (hg19) VCF-style: chrX-39923044-C-A.
Other names: c.3562G>T, p.Val1188Leu (NM_001123383.2, NM_017745.6); c.3508G>T, p.Val1170Leu (NM_001123384.2); short protein forms V1170L, V1188L, V1222L.
Identifiers: ClinVar variation 2660308 (VCV002660308.24), dbSNP rs745674025, ClinGen allele CA412738353.

ClinVar aggregate classification (germline): Uncertain significance (1 of 4 stars; one submission).

Submission:

CeGaT Center for Human Genetics Tuebingen
Classification: Uncertain significance. Last evaluated: 2022-12-01. Review status: criteria provided, single submitter. Criteria: CeGaT Center For Human Genetics Tuebingen Variant Classification Criteria Version 2. Collection method: clinical testing. Allele origin: germline. Affected: yes. Observed: 1 variant allele.
Comment: BCOR: PM2